The following is an entry in ClinVar:

ClinVar aggregate classification (germline): Uncertain significance. Review status: criteria provided, multiple submitters, no conflicts (2 of 4 stars). 3 submissions from 3 submitters: Uncertain significance (3). Last evaluated 2025-11-27.

Conditions:
Mucopolysaccharidosis, MPS-III-A (MPS3A). Also called: Mucopolysaccharidosis, type IIIA; mucopolysaccharidosis type 3A; MPS IIIA (Sanfilippo Syndrome Type A); HEPARAN SULFATE SULFATASE DEFICIENCY; Mucopolysaccharidosis type IIIA (Sanfilippo A); SANFILIPPO SYNDROME A. Identifiers: Orphanet 581, Orphanet 79269, MedGen C0086647, MONDO:0009655, OMIM 252900.

Allele frequency attached by ClinVar (database versions not stated): gnomAD exomes 0.00001 and 0.00004; gnomAD 0.00001 and 0.00002; ExAC 0.00005; 1000 Genomes Project 30x 0.00016; TOPMed 0.00001; 1000 Genomes Project 0.00020.

Submissions (3):

Labcorp Genetics (formerly Invitae), Labcorp
Classification: Uncertain significance for Mucopolysaccharidosis, MPS-III-A. Last evaluated: 2025-11-27. Review status: criteria provided, single submitter. Criteria: Invitae Variant Classification Sherloc (09022015). Collection method: clinical testing. Allele origin: germline.
Comment: This sequence change replaces arginine, which is basic and polar, with histidine, which is basic and polar, at codon 258 of the SGSH protein (p.Arg258His). This variant is present in population databases (rs549606472, gnomAD 0.02%). This missense change has been observed in individual(s) with clinical features of mucopolysaccharidosis type III (internal data). ClinVar contains an entry for this variant (Variation ID: 1303978). Invitae Evidence Modeling of protein sequence and biophysical properties (such as structural, functional, and spatial information, amino acid conservation, physicochemical variation, residue mobility, and thermodynamic stability) indicates that this missense variant is not expected to disrupt SGSH protein function with a negative predictive value of 80%. In summary, the available evidence is currently insufficient to determine the role of this variant in disease. Therefore, it has been classified as a Variant of Uncertain Significance.

Genome-Nilou Lab
Classification: Uncertain significance for Mucopolysaccharidosis, MPS-III-A. Last evaluated: 2021-11-07. Review status: criteria provided, single submitter. Criteria: ACMG Guidelines, 2015. Collection method: clinical testing. Allele origin: germline. Affected: no.

GeneDx
Classification: Uncertain significance. Last evaluated: 2019-09-23. Review status: criteria provided, single submitter. Criteria: GeneDx Variant Classification Process June 2021. Collection method: clinical testing. Allele origin: germline. Affected: yes.
Comment: Not observed at a significant frequency in large population cohorts (Lek et al., 2016); In silico analysis, which includes protein predictors and evolutionary conservation, supports that this variant does not alter protein structure/function; Has not been previously published as pathogenic or benign to our knowledge

NM_000199.5(SGSH):c.773G>A (p.Arg258His)

Gene: SGSH (N-sulfoglucosamine sulfohydrolase; minus strand). Cytogenetic location: 17q25.3.
Variant type: single nucleotide variant.
Coding change: c.773G>A on transcript NM_000199.5 (MANE Select); coding-DNA position 773, G replaced by A.
Protein change: p.Arg258His; replaces arginine 258 with histidine.
Molecular consequence: missense variant. On other transcripts: non-coding transcript variant (1).
Genome position (GRCh38, 1-based): chr17:80,212,247, C>T on the plus strand (G>A on the coding strand, the complement: SGSH is on the minus strand). VCF-style: chr17-80212247-C-T. GRCh37 (hg19) VCF-style: chr17-78186046-C-T.
Other names: c.773G>A, p.Arg258His (NM_001352921.3, NM_001352922.2); short protein forms R258H.
Identifiers: ClinVar variation 1303978 (VCV001303978.9), dbSNP rs549606472, ClinGen allele CA8817782.